The following is an entry in ClinVar:

ClinVar aggregate classification (germline): Benign. Review status: criteria provided, multiple submitters, no conflicts (2 of 4 stars). 3 submissions from 3 submitters: Benign (2). 1 of the submissions does not count toward it. Last evaluated 2025-10-03.

Conditions:
SERPINB8-related disorder. Also called: SERPINB8-related condition.

Allele frequency attached by ClinVar (database versions not stated): gnomAD exomes 0.00151; ExAC 0.00186; gnomAD 0.00603 and 0.00644; ESP Exome Variant Server 0.00623; TOPMed 0.00659; 1000 Genomes Project 0.00799; 1000 Genomes Project 30x 0.00828.
gnomAD v4.1: 1,756 of 1,614,068 alleles (0.11%); highest among the groups gnomAD compares: African/African-American, 2.1%; 21 homozygotes.

Submissions (3):

Labcorp Genetics (formerly Invitae), Labcorp
Classification: Benign. Last evaluated: 2025-10-03. Review status: criteria provided, single submitter. Criteria: Invitae Variant Classification Sherloc (09022015). Collection method: clinical testing. Allele origin: germline.

Breakthrough Genomics
Classification: Benign. Review status: criteria provided, single submitter. Criteria: ACMG Guidelines, 2015. Collection method: not provided. Allele origin: germline. Inheritance: Autosomal recessive inheritance. Affected: yes.

PreventionGenetics, part of Exact Sciences
Classification: Benign for SERPINB8-related condition. Last evaluated: 2024-04-18. Review status: no assertion criteria provided. Collection method: clinical testing. Allele origin: germline. Not counted in ClinVar's aggregate classification.
Comment: This variant is classified as benign based on ACMG/AMP sequence variant interpretation guidelines (Richards et al. 2015 PMID: 25741868, with internal and published modifications).

NM_002640.4(SERPINB8):c.254T>G (p.Leu85Trp)

Gene: SERPINB8 (serpin family B member 8; plus strand). Cytogenetic location: 18q22.1.
Variant type: single nucleotide variant.
Coding change: c.254T>G on transcript NM_002640.4 (MANE Select); coding-DNA position 254, T replaced by G.
Protein change: p.Leu85Trp; replaces leucine 85 with tryptophan.
Molecular consequence: missense variant. On other transcripts: 5 prime UTR variant (2), non-coding transcript variant (1).
Genome position (GRCh38, 1-based): chr18:63,979,886, T>G. VCF-style: chr18-63979886-T-G. GRCh37 (hg19) VCF-style: chr18-61647120-T-G.
Other names: c.254T>G, p.Leu85Trp (NM_001031848.2, NM_001348367.2, NM_001348368.2 and 3 more transcripts); c.-293T>G (NM_001276490.2); c.-144T>G (NM_001348370.2); c.254T>G (NM_198833.1); short protein forms L85W.
Identifiers: ClinVar variation 1599386 (VCV001599386.10), dbSNP rs111432786, ClinGen allele CA8990657.